The following is an entry in ClinVar:

ClinVar aggregate classification (germline): Pathogenic. Review status: criteria provided, multiple submitters, no conflicts (2 of 4 stars). 2 submissions from 2 submitters: Pathogenic (2). Last evaluated 2026-04-01.

Conditions:
Oocyte maturation defect 6. Also called: OOCYTE/ZYGOTE/EMBRYO MATURATION ARREST 6. Identifiers: MedGen C5193047, MONDO:0032696, OMIM 618353.

Submissions (2):

Dasa
Classification: Pathogenic. Last evaluated: 2026-04-01. Review status: criteria provided, single submitter. Criteria: DASA Assertion Criteria. Collection method: clinical testing. Allele origin: germline.
Comment: NM_001376232.1(ZP2):c.860_861del (p.Val287Glufs*3) is a frameshift variant in ZP2 predicted to alter the reading frame and introduce a premature termination codon and is predicted to result in an absent or altered protein product. Loss of function is an established disease mechanism for ZP2-associated disorders. This variant has been reported in individuals with ZP2-related disorders (PMID: 32829425). Also, this variant is rare in population databases. Based on the currently available evidence, this variant is classified as pathogenic.

Department of Pathology and Laboratory Medicine, Sinai Health System
Classification: Pathogenic for Oocyte maturation defect 6. Last evaluated: 2022-05-17. Review status: criteria provided, single submitter. Criteria: ACMG Guidelines, 2015. Collection method: research. Allele origin: germline.

Literature cited by the submitters: PubMed 32829425 (cited by Dasa).

NM_001376232.1(ZP2):c.860_861del (p.Val287fs)

Gene: ZP2 (zona pellucida glycoprotein 2; minus strand). Cytogenetic location: 16p12.2.
Variant type: Microsatellite.
Coding change: c.860_861del on transcript NM_001376232.1 (MANE Select); coding-DNA positions 860 to 861, 2 bases deleted (TG; older notation c.860_861delTG).
Protein change: p.Val287fs; shifts the reading frame from valine 287.
Molecular consequence: frameshift variant. On other transcripts: non-coding transcript variant (1).
Genome position (GRCh38, 1-based): chr16:21,204,141-21,204,142, CA deleted on the plus strand (TG on the coding strand, the reverse complement: ZP2 is on the minus strand); deleting any 2 consecutive bases within chr16:21,204,141-21,204,144 gives the same sequence; the c. name uses the placement nearest the transcript's 3' end. VCF-style (leftmost placement, unchanged base first): chr16-21204140-TCA-T. GRCh37 (hg19) VCF-style: chr16-21215461-TCA-T.
Other names: c.860_861del, p.Val287fs (NM_001376231.1, NM_001376233.1, NM_003460.2); short protein forms V287fs.
Identifiers: ClinVar variation 3892945 (VCV003892945.3).